The following is an entry in ClinVar:

ClinVar aggregate classification (germline): Uncertain significance (1 of 4 stars; one submission).

gnomAD v4.1: 1 of 1,614,192 alleles (0.000062%); highest among the groups gnomAD compares: East Asian, 0.0022%; no homozygotes.

Submission:

Labcorp Genetics (formerly Invitae), Labcorp
Classification: Uncertain significance. Last evaluated: 2022-01-15. Review status: criteria provided, single submitter. Criteria: Invitae Variant Classification Sherloc (09022015). Collection method: clinical testing. Allele origin: germline.
Comment: This sequence change replaces serine, which is neutral and polar, with threonine, which is neutral and polar, at codon 1362 of the PCDH15 protein (p.Ser1362Thr). This variant is present in population databases (no rsID available, gnomAD 0.006%). This variant has not been reported in the literature in individuals affected with PCDH15-related conditions. Algorithms developed to predict the effect of missense changes on protein structure and function (SIFT, PolyPhen-2, Align-GVGD) all suggest that this variant is likely to be tolerated. In summary, the available evidence is currently insufficient to determine the role of this variant in disease. Therefore, it has been classified as a Variant of Uncertain Significance.

NM_001384140.1(PCDH15):c.4085G>C (p.Ser1362Thr)

Gene: PCDH15 (protocadherin related 15; minus strand). Cytogenetic location: 10q21.1.
Variant type: single nucleotide variant.
Coding change: c.4085G>C on transcript NM_001384140.1 (MANE Select); coding-DNA position 4085, G replaced by C.
Protein change: p.Ser1362Thr; replaces serine 1362 with threonine.
Molecular consequence: missense variant.
Genome position (GRCh38, 1-based): chr10:53,831,432, C>G on the plus strand (G>C on the coding strand, the complement: PCDH15 is on the minus strand). VCF-style: chr10-53831432-C-G. GRCh37 (hg19) VCF-style: chr10-55591192-C-G.
Other names: c.4100G>C, p.Ser1367Thr (NM_001142763.2, NM_001142771.2); c.4085G>C, p.Ser1362Thr (NM_001142764.2, NM_001142766.2, NM_001142770.3 and 4 more transcripts); c.3872G>C, p.Ser1291Thr (NM_001142765.2); c.3974G>C, p.Ser1325Thr (NM_001142767.2); c.4019G>C, p.Ser1340Thr (NM_001142768.2, NM_001142773.2, NM_001354404.2); c.4121G>C, p.Ser1374Thr (NM_001142769.4); c.4106G>C, p.Ser1369Thr (NM_001354411.2); short protein forms S1325T, S1340T, S1291T, S1362T, S1374T, S1369T, S1367T.
Identifiers: ClinVar variation 1955959 (VCV001955959.2), dbSNP rs760949659, ClinGen allele CA376528419.